The following is an entry in ClinVar:

NM_001195263.2(PDZD7):c.2776C>T (p.Arg926Cys)

Gene: PDZD7 (PDZ domain containing 7; minus strand). Cytogenetic location: 10q24.31.
Variant type: single nucleotide variant.
Coding change: c.2776C>T on transcript NM_001195263.2 (MANE Select); coding-DNA position 2776, C replaced by T.
Protein change: p.Arg926Cys; replaces arginine 926 with cysteine.
Molecular consequence: missense variant.
Genome position (GRCh38, 1-based): chr10:101,008,793, G>A on the plus strand (C>T on the coding strand, the complement: PDZD7 is on the minus strand). VCF-style: chr10-101008793-G-A. GRCh37 (hg19) VCF-style: chr10-102768550-G-A.
Other names: short protein forms R926C.
Identifiers: ClinVar variation 1522907 (VCV001522907.8), dbSNP rs892735909, ClinGen allele CA212977390.

ClinVar aggregate classification (germline): Uncertain significance. Review status: criteria provided, multiple submitters, no conflicts (2 of 4 stars). 2 submissions from 2 submitters: Uncertain significance (2). Last evaluated 2022-10-17.

Allele frequency attached by ClinVar (database versions not stated): gnomAD exomes below 0.00001; TOPMed below 0.00001.
gnomAD v4.1: 4 of 1,530,568 alleles (0.00026%); highest among the groups gnomAD compares: Non-Finnish European, 0.00035%; no homozygotes.

Submissions (2):

Labcorp Genetics (formerly Invitae), Labcorp
Classification: Uncertain significance. Last evaluated: 2022-10-17. Review status: criteria provided, single submitter. Criteria: Invitae Variant Classification Sherloc (09022015). Collection method: clinical testing. Allele origin: germline.
Comment: In summary, the available evidence is currently insufficient to determine the role of this variant in disease. Therefore, it has been classified as a Variant of Uncertain Significance. Algorithms developed to predict the effect of missense changes on protein structure and function are either unavailable or do not agree on the potential impact of this missense change (SIFT: "Deleterious"; PolyPhen-2: "Not Available"; Align-GVGD: "Class C0"). ClinVar contains an entry for this variant (Variation ID: 1522907). This variant has not been reported in the literature in individuals affected with PDZD7-related conditions. This variant is not present in population databases (gnomAD no frequency). This sequence change replaces arginine, which is basic and polar, with cysteine, which is neutral and slightly polar, at codon 926 of the PDZD7 protein (p.Arg926Cys).

Revvity Omics, Revvity
Classification: Uncertain significance. Last evaluated: 2021-10-16. Review status: criteria provided, single submitter. Criteria: ACMG Guidelines, 2015. Collection method: clinical testing. Allele origin: germline.